The following is an entry in ClinVar:

ClinVar aggregate classification (germline): Pathogenic (1 of 4 stars; one submission).

Conditions:
Hereditary breast ovarian cancer syndrome. Also called: Hereditary breast and ovarian cancer; Hereditary breast and ovarian cancer syndrome; BRCA1- and BRCA2-Associated Hereditary Breast and Ovarian Cancer; Hereditary breast and ovarian cancer syndrome (HBOC); Breast and ovarian cancer; Hereditary breast and/or ovarian cancer syndrome. Identifiers: Orphanet 145, MedGen C0677776, MeSH D061325, MONDO:0003582. Disease mechanism: loss of function.

Submission:

Labcorp Genetics (formerly Invitae), Labcorp
Classification: Pathogenic for Hereditary breast ovarian cancer syndrome. Last evaluated: 2023-11-07. Review status: criteria provided, single submitter. Criteria: Invitae Variant Classification Sherloc (09022015). Collection method: clinical testing. Allele origin: germline.
Comment: This sequence change creates a premature translational stop signal (p.Leu432Thrfs*4) in the BRCA1 gene. It is expected to result in an absent or disrupted protein product. Loss-of-function variants in BRCA1 are known to be pathogenic (PMID: 20104584). This variant is not present in population databases (gnomAD no frequency). This variant has not been reported in the literature in individuals affected with BRCA1-related conditions. ClinVar contains an entry for this variant (Variation ID: 645749). For these reasons, this variant has been classified as Pathogenic.

Literature cited by the submitters: PubMed 20104584.

NM_007294.4(BRCA1):c.1293dup (p.Leu432fs)

Gene: BRCA1 (BRCA1 DNA repair associated; minus strand). Cytogenetic location: 17q21.31.
Variant type: Duplication.
Coding change: c.1293dup on transcript NM_007294.4 (MANE Select); coding-DNA position 1293, one base duplicated (A; older notation c.1293dupA).
Protein change: p.Leu432fs; shifts the reading frame from leucine 432.
Molecular consequence: frameshift variant. On other transcripts: intron variant (137).
Genome position (GRCh38, 1-based): chr17:43,094,238, T duplicated on the plus strand (A on the coding strand, the reverse complement: BRCA1 is on the minus strand). VCF-style (leftmost placement, unchanged base first): chr17-43094237-G-GT. GRCh37 (hg19) VCF-style: chr17-41246254-G-GT.
Other names: c.1080dup, p.Leu361fs (NM_001407571.1, NM_001407853.1, NM_001407894.1 and 9 more transcripts); c.1293dup, p.Leu432fs (NM_001407581.1, NM_001407582.1, NM_001407583.1 and 30 more transcripts); c.1290dup, p.Leu431fs (NM_001407587.1, NM_001407590.1, NM_001407591.1 and 22 more transcripts); c.1284dup, p.Leu429fs (NM_001407646.1, NM_001407647.1); c.1170dup, p.Leu391fs (NM_001407648.1, NM_001407664.1, NM_001407665.1 and 19 more transcripts); c.1167dup, p.Leu390fs (NM_001407649.1, NM_001407670.1, NM_001407671.1 and 11 more transcripts); c.1215dup, p.Leu406fs (NM_001407653.1, NM_001407654.1, NM_001407655.1 and 4 more transcripts); c.1212dup, p.Leu405fs (NM_001407659.1, NM_001407660.1, NM_001407661.1 and 1 more transcripts); and 41 more; short protein forms L385fs, L432fs, L136fs, L264fs, L304fs, L343fs, L361fs, L390fs.
Identifiers: ClinVar variation 645749 (VCV000645749.11), dbSNP rs1597876950, ClinGen allele CA915950137.